The following is an entry in ClinVar:

ClinVar aggregate classification (germline): Uncertain significance (1 of 4 stars; one submission).

Conditions:
Hereditary cancer-predisposing syndrome. Also called: Neoplastic Syndromes, Hereditary; Tumor predisposition; Hereditary Cancer Syndrome; Hereditary neoplastic syndrome. Identifiers: Orphanet 140162, MedGen C0027672, MeSH D009386, MONDO:0015356.

Submission:

Ambry Genetics
Classification: Uncertain significance for Hereditary cancer-predisposing syndrome. Last evaluated: 2026-02-21. Review status: criteria provided, single submitter. Criteria: Ambry Variant Classification Scheme 2023. Collection method: clinical testing. Allele origin: germline.
Comment: The p.P441R variant (also known as c.1322C>G), located in coding exon 10 of the APC gene, results from a C to G substitution at nucleotide position 1322. The proline at codon 441 is replaced by arginine, an amino acid with dissimilar properties. This amino acid position is conserved. In addition, in silico predictors for this gene do not accurately predict pathogenicity. Based on the available evidence, the clinical significance of this variant remains unclear.

NM_000038.6(APC):c.1322C>G (p.Pro441Arg)

Gene: APC (APC regulator of Wnt signaling pathway; plus strand). Cytogenetic location: 5q22.2.
Variant type: single nucleotide variant.
Coding change: c.1322C>G on transcript NM_000038.6 (MANE Select); coding-DNA position 1322, C replaced by G.
Protein change: p.Pro441Arg; replaces proline 441 with arginine.
Molecular consequence: missense variant. On other transcripts: non-coding transcript variant (2).
Genome position (GRCh38, 1-based): chr5:112,821,905, C>G. VCF-style: chr5-112821905-C-G. GRCh37 (hg19) VCF-style: chr5-112157602-C-G.
Other names: c.473C>G, p.Pro158Arg (NM_001354906.2, NM_001407470.1); c.1019C>G, p.Pro340Arg (NM_001407456.1, NM_001407457.1, NM_001407458.1 and 5 more transcripts); c.935C>G, p.Pro312Arg (NM_001407467.1, NM_001407469.1); c.170C>G, p.Pro57Arg (NM_001407471.1, NM_001407472.1); c.1322C>G, p.Pro441Arg (NM_001127510.3, NM_001354895.2, NM_001354896.2 and 4 more transcripts); c.1268C>G, p.Pro423Arg (NM_001127511.3); c.1352C>G, p.Pro451Arg (NM_001354897.2, NM_001407446.1); c.1247C>G, p.Pro416Arg (NM_001354898.2, NM_001407451.1); and 5 more; short protein forms P158R, P423R, P451R, P315R, P350R, P413R, P281R, P312R.
Identifiers: ClinVar variation 4825082 (VCV004825082.1).